The following is an entry in ClinVar:

NM_006379.5(SEMA3C):c.1711+3A>T

Gene: SEMA3C (semaphorin 3C; minus strand). Cytogenetic location: 7q21.11.
Variant type: single nucleotide variant.
Coding change: c.1711+3A>T on transcript NM_006379.5 (MANE Select); 3 bases into the intron after coding-DNA position 1711, A replaced by T.
Molecular consequence: intron variant.
Genome position (GRCh38, 1-based): chr7:80,751,266, T>A on the plus strand (A>T on the coding strand, the complement: SEMA3C is on the minus strand). VCF-style: chr7-80751266-T-A. GRCh37 (hg19) VCF-style: chr7-80380582-T-A.
Other names: c.1765+3A>T (NM_001350120.2, NM_001350120.1); c.1537+3A>T (NM_001350121.2).
Identifiers: ClinVar variation 3233345 (VCV003233345.2), dbSNP rs760834136, ClinGen allele CA161047875.

ClinVar aggregate classification (germline): Uncertain significance. Review status: criteria provided, multiple submitters, no conflicts (2 of 4 stars). 2 submissions from 2 submitters: Uncertain significance (2). Last evaluated 2026-05-13.

Conditions:
SEMA3C-related disorder. Also called: SEMA3C-related condition.

Allele frequency attached by ClinVar (database versions not stated): gnomAD 0.00001; TOPMed 0.00001.
gnomAD v4.1: 25 of 1,613,338 alleles (0.0015%); highest among the groups gnomAD compares: Middle Eastern, 0.3%; 1 homozygote.

Submissions (2):

PreventionGenetics, part of Exact Sciences
Classification: Uncertain significance for SEMA3C-related condition. Last evaluated: 2026-05-13. Review status: criteria provided, single submitter. Criteria: ACMG Guidelines, 2015. Collection method: clinical testing. Allele origin: germline.
Comment: The SEMA3C c.1765+3A>T variant is predicted to interfere with splicing. This variant is predicted to alter splicing based on available splicing prediction programs (SpliceAI, Jaganathan et al. 2019. PubMed ID: 30661751). However, the use of computer prediction programs is not equivalent to functional evidence. This variant is reported in 0.0033% of alleles in individuals of South Asian descent in gnomAD. At this time, the clinical significance of this variant is uncertain due to the absence of conclusive functional and genetic evidence.

Hadassah Hebrew University Medical Center
Classification: Uncertain significance. Review status: criteria provided, single submitter. Criteria: ACMG Guidelines, 2015. Collection method: clinical testing. Allele origin: germline. Inheritance: Autosomal recessive inheritance. Affected: yes.